The following is an entry in ClinVar:

ClinVar aggregate classification (germline): Pathogenic. Review status: criteria provided, multiple submitters, no conflicts (2 of 4 stars). 2 submissions from 2 submitters: Pathogenic (2). Last evaluated 2021-08-05.

Conditions:
Sjögren-Larsson syndrome (SLS). Also called: FALDH DEFICIENCY; FATTY ALCOHOL:NAD+ OXIDOREDUCTASE DEFICIENCY; FATTY ALDEHYDE DEHYDROGENASE DEFICIENCY; ICHTHYOSIS, SPASTIC NEUROLOGIC DISORDER, AND OLIGOPHRENIA. Identifiers: Orphanet 816, MedGen C0037231, MONDO:0010031, OMIM 270200.

Submissions (2):

Labcorp Genetics (formerly Invitae), Labcorp
Classification: Pathogenic. Last evaluated: 2021-08-05. Review status: criteria provided, single submitter. Criteria: Invitae Variant Classification Sherloc (09022015). Collection method: clinical testing. Allele origin: germline.
Comment: ClinVar contains an entry for this variant (Variation ID: 816625). For these reasons, this variant has been classified as Pathogenic. Algorithms developed to predict the effect of sequence changes on RNA splicing suggest that this variant may create or strengthen a splice site. This variant has not been reported in the literature in individuals affected with ALDH3A2-related conditions. This variant is not present in population databases (ExAC no frequency). This sequence change creates a premature translational stop signal (p.Ser17*) in the ALDH3A2 gene. It is expected to result in an absent or disrupted protein product. Loss-of-function variants in ALDH3A2 are known to be pathogenic (PMID: 10577908, 10854114).

Diagnostics Services (NGS), CSIR - Centre For Cellular And Molecular Biology
Classification: Pathogenic for Sjögren-Larsson syndrome. Last evaluated: 2020-02-07. Review status: criteria provided, single submitter. Criteria: ACMG Guidelines, 2015. Collection method: clinical testing. Allele origin: germline. Inheritance: Autosomal recessive inheritance. Affected: yes. Observed: 1 homozygote.
Comment: The c.50C>A variant may either cause nonsense mediated decay of the mRNA resulting no protein or a truncated protein due to premature stop codon. The variant is not present in publicly available databases like 1000 Genomes, Exome Variant Server (EVS), Exome Aggregation Consortium (ExAC), Genome Aggregation Database (gnomAD) and dbSNP. The variant is not present in our in-house exome database. The variant was not reported earlier to OMIM, ClinVar or HGMD databases. In-silico pathogenicity prediction programs MutationTaster2, CADD etc. predicted this variant to be likely deleterious. The variant meets our criteria to be classified as pathogenic.

Literature cited by the submitters: PubMed 10577908 (cited by Labcorp Genetics (formerly Invitae), Labcorp); PubMed 10854114 (cited by Labcorp Genetics (formerly Invitae), Labcorp).

NM_000382.3(ALDH3A2):c.50C>A (p.Ser17Ter)

Gene: ALDH3A2 (aldehyde dehydrogenase 3 family member A2; plus strand). Cytogenetic location: 17p11.2.
Variant type: single nucleotide variant.
Coding change: c.50C>A on transcript NM_000382.3 (MANE Select); coding-DNA position 50, C replaced by A.
Protein change: p.Ser17Ter; replaces serine 17 with a stop codon.
Molecular consequence: nonsense. On other transcripts: 5 prime UTR variant (1).
Genome position (GRCh38, 1-based): chr17:19,649,021, C>A. VCF-style: chr17-19649021-C-A. GRCh37 (hg19) VCF-style: chr17-19552334-C-A.
Other names: c.50C>A, p.Ser17Ter (NM_001031806.2, NM_001369136.1, NM_001369137.2 and 3 more transcripts); c.-639C>A (NM_001369148.2); short protein forms S17*.
Identifiers: ClinVar variation 816625 (VCV000816625.10), dbSNP rs1447023449, ClinGen allele CA398700569.
Genomic context (GRCh38, chr17:19,649,021, plus strand): 5'-AGGACCAGGCCATGGAGCTCGAAGTCCGGCGGGTCCGACAGGCGTTCCTGTCCGGCCGGT[C>A]GCGACCTCTGCGGTTTCGGCTGCAGCAGCTGGAGGCCCTGCGGAGGATGGTGCAGGAGCG-3'